The following is an entry in ClinVar:

ClinVar aggregate classification (germline): Uncertain significance. Review status: criteria provided, multiple submitters, no conflicts (2 of 4 stars). 2 submissions from 2 submitters: Uncertain significance (2). Last evaluated 2024-04-15.

Allele frequency attached by ClinVar (database versions not stated): gnomAD exomes below 0.00001; gnomAD 0.00001; TOPMed 0.00001.
gnomAD v4.1: 9 of 1,614,014 alleles (0.00056%); highest among the groups gnomAD compares: African/African-American, 0.0027%; no homozygotes.

Submissions (2):

Labcorp Genetics (formerly Invitae), Labcorp
Classification: Uncertain significance. Last evaluated: 2024-04-15. Review status: criteria provided, single submitter. Criteria: Invitae Variant Classification Sherloc (09022015). Collection method: clinical testing. Allele origin: germline.
Comment: This sequence change replaces glutamic acid, which is acidic and polar, with glutamine, which is neutral and polar, at codon 1902 of the SRCAP protein (p.Glu1902Gln). This variant is not present in population databases (gnomAD no frequency). This variant has not been reported in the literature in individuals affected with SRCAP-related conditions. ClinVar contains an entry for this variant (Variation ID: 1311128). Advanced modeling of protein sequence and biophysical properties (such as structural, functional, and spatial information, amino acid conservation, physicochemical variation, residue mobility, and thermodynamic stability) performed at Invitae indicates that this missense variant is not expected to disrupt SRCAP protein function with a negative predictive value of 80%. In summary, the available evidence is currently insufficient to determine the role of this variant in disease. Therefore, it has been classified as a Variant of Uncertain Significance.

GeneDx
Classification: Uncertain significance. Last evaluated: 2019-12-09. Review status: criteria provided, single submitter. Criteria: GeneDx Variant Classification Process June 2021. Collection method: clinical testing. Allele origin: germline. Affected: yes.
Comment: Not observed in large population cohorts (Lek et al., 2016); In silico analysis, which includes protein predictors and evolutionary conservation, supports that this variant does not alter protein structure/function; Has not been previously published as pathogenic or benign to our knowledge

NM_006662.3(SRCAP):c.5704G>C (p.Glu1902Gln)

Gene: SRCAP (Snf2 related CREBBP activator protein; plus strand). Cytogenetic location: 16p11.2.
Variant type: single nucleotide variant.
Coding change: c.5704G>C on transcript NM_006662.3 (MANE Select); coding-DNA position 5704, G replaced by C.
Protein change: p.Glu1902Gln; replaces glutamic acid 1902 with glutamine.
Molecular consequence: missense variant.
Genome position (GRCh38, 1-based): chr16:30,729,011, G>C. VCF-style: chr16-30729011-G-C. GRCh37 (hg19) VCF-style: chr16-30740332-G-C.
Other names: short protein forms E1902Q.
Identifiers: ClinVar variation 1311128 (VCV001311128.7), dbSNP rs1019525148, ClinGen allele CA280517390.